The following is an entry in ClinVar:

ClinVar aggregate classification (germline): Uncertain significance (1 of 4 stars; one submission).

Conditions:
Multiple congenital exostosis (EXT). Also called: Multiple osteochondromas; Hereditary multiple osteochondromas; MULTIPLE CARTILAGINOUS EXOSTOSES; Multiple exostoses; Hereditary multiple exostoses; Hereditary multiple exostosis. Identifiers: Orphanet 321, MedGen C0015306, MONDO:0005508, HP:0002762.

Submission:

Labcorp Genetics (formerly Invitae), Labcorp
Classification: Uncertain significance for Multiple congenital exostosis. Last evaluated: 2020-04-30. Review status: criteria provided, single submitter. Criteria: Invitae Variant Classification Sherloc (09022015). Collection method: clinical testing. Allele origin: germline.
Comment: This variant has not been reported in the literature in individuals with EXT1-related conditions. This sequence change replaces alanine with threonine at codon 623 of the EXT1 protein (p.Ala623Thr). The alanine residue is highly conserved and there is a small physicochemical difference between alanine and threonine. This variant is not present in population databases (ExAC no frequency). Algorithms developed to predict the effect of missense changes on protein structure and function are either unavailable or do not agree on the potential impact of this missense change (SIFT: "Deleterious"; PolyPhen-2: "Probably Damaging"; Align-GVGD: "Class C0"). In summary, the available evidence is currently insufficient to determine the role of this variant in disease. Therefore, it has been classified as a Variant of Uncertain Significance.

NM_000127.3(EXT1):c.1867G>A (p.Ala623Thr)

Gene: EXT1 (exostosin glycosyltransferase 1; minus strand). Cytogenetic location: 8q24.11.
Variant type: single nucleotide variant.
Coding change: c.1867G>A on transcript NM_000127.3 (MANE Select); coding-DNA position 1867, G replaced by A.
Protein change: p.Ala623Thr; replaces alanine 623 with threonine.
Molecular consequence: missense variant.
Genome position (GRCh38, 1-based): chr8:117,807,233, C>T on the plus strand (G>A on the coding strand, the complement: EXT1 is on the minus strand). VCF-style: chr8-117807233-C-T. GRCh37 (hg19) VCF-style: chr8-118819472-C-T.
Other names: short protein forms A623T.
Identifiers: ClinVar variation 1002486 (VCV001002486.8), dbSNP rs1823251698, ClinGen allele CA371877927.
Genomic context (GRCh38, chr8:117,807,233, plus strand): 5'-AAAAGCTATGTAAAGTCTGTAAGAGACATGTCCAGATTCCTCACTTGTGGTAAATAGCAG[C>T]TCCTGTCAACACCATGGAGTAGTCGTTCGTCCACTTTGATGTGTATCCCCACCGCTCCTT-3'
Protein context (NP_000118.2, residues 613-633): TNDYSMVLTG[Ala623Thr]AIYHKYYHYL